The following is an entry in ClinVar:

ClinVar aggregate classification (germline): Likely benign (0 of 4 stars; one submission).

Conditions:
CACNA1A-related disorder. Also called: CACNA1A-related condition.

Submission:

PreventionGenetics, part of Exact Sciences
Classification: Likely benign for CACNA1A-related condition. Last evaluated: 2019-03-29. Review status: no assertion criteria provided. Collection method: clinical testing. Allele origin: germline.
Comment: This variant is classified as likely benign based on ACMG/AMP sequence variant interpretation guidelines (Richards et al. 2015 PMID: 25741868, with internal and published modifications).

NM_001127222.2(CACNA1A):c.5406G>A (p.Leu1802=)

Gene: CACNA1A (calcium voltage-gated channel subunit alpha1 A; minus strand). Cytogenetic location: 19p13.13.
Variant type: single nucleotide variant.
Coding change: c.5406G>A on transcript NM_001127222.2 (MANE Select); coding-DNA position 5406, G replaced by A.
Protein change: p.Leu1802=; no amino-acid change (leucine 1802 retained).
Molecular consequence: synonymous variant.
Genome position (GRCh38, 1-based): chr19:13,230,204, C>T on the plus strand (G>A on the coding strand, the complement: CACNA1A is on the minus strand). VCF-style: chr19-13230204-C-T. GRCh37 (hg19) VCF-style: chr19-13341018-C-T.
Other names: c.5424G>A, p.Leu1808= (NM_000068.4, NM_023035.3); c.5409G>A, p.Leu1803= (NM_001127221.2); c.5415G>A, p.Leu1805= (NM_001174080.2).
Identifiers: ClinVar variation 3034831 (VCV003034831.2), dbSNP rs2512618306, ClinGen allele CA505657090.
Genomic context (GRCh38, chr19:13,230,204, plus strand): 5'-GATGGAGGAGTCTCGGGTGAGGTACTCAAAGTTGTCCATGATGACGGCGACAAAGAGATT[C>T]AGCATCTGTGGGGACCCCGGGGACCAAGAGAGAATGGGGGCAGAGACCGAGGGAATGAAT-3'
Protein context (NP_001120694.1, residues 1792-1812): SFIFLCSFLM[Leu1802=]NLFVAVIMDN